The following is an entry in ClinVar:

NM_001267550.2(TTN):c.90663C>G (p.Thr30221=)

Genes: TTN (titin; minus strand), TTN-AS1 (TTN antisense RNA 1; plus strand). Cytogenetic location: 2q31.2.
Variant type: single nucleotide variant.
Coding change: c.90663C>G on transcript NM_001267550.2 (MANE Select); coding-DNA position 90663, C replaced by G.
Protein change: p.Thr30221=; no amino-acid change (threonine 30221 retained).
Molecular consequence: synonymous variant.
Genome position (GRCh38, 1-based): chr2:178,552,237, G>C on the plus strand (C>G on the coding strand, the complement: TTN is on the minus strand). VCF-style: chr2-178552237-G-C. GRCh37 (hg19) VCF-style: chr2-179416964-G-C.
Other names: c.85740C>G, p.Thr28580= (NM_001256850.1); c.63468C>G, p.Thr21156= (NM_003319.4); c.82959C>G, p.Thr27653= (NM_133378.4); c.63843C>G, p.Thr21281= (NM_133432.3); c.64044C>G, p.Thr21348= (NM_133437.4).
Identifiers: ClinVar variation 1752971 (VCV001752971.28), dbSNP rs1262997857, ClinGen allele CA430245043.

ClinVar aggregate classification (germline): Likely benign. Review status: criteria provided, multiple submitters, no conflicts (2 of 4 stars). 3 submissions from 3 submitters: Likely benign (3). Last evaluated 2025-01-06.

Conditions:
Cardiovascular phenotype. Identifiers: MedGen CN230736.
Autosomal recessive limb-girdle muscular dystrophy type 2J (LGMDR10). Also called: MUSCULAR DYSTROPHY, LIMB-GIRDLE, AUTOSOMAL RECESSIVE 10; Limb-girdle muscular dystrophy, type 2J. Identifiers: Orphanet 140922, MedGen C1837342, MONDO:0012127, OMIM 608807.
Dilated cardiomyopathy 1G (CMD1G). Identifiers: Orphanet 154, MedGen C1858763, MONDO:0011400, OMIM 604145.

Allele frequency attached by ClinVar (database versions not stated): TOPMed below 0.00001.
gnomAD v4.1: 4 of 1,613,346 alleles (0.00025%); highest among the groups gnomAD compares: Non-Finnish European, 0.00034%; no homozygotes.

Submissions (3):

Labcorp Genetics (formerly Invitae), Labcorp
Classification: Likely benign for Dilated cardiomyopathy 1G; Autosomal recessive limb-girdle muscular dystrophy type 2J. Last evaluated: 2025-01-06. Review status: criteria provided, single submitter. Criteria: Invitae Variant Classification Sherloc (09022015). Collection method: clinical testing. Allele origin: germline.

CeGaT Center for Human Genetics Tuebingen
Classification: Likely benign. Last evaluated: 2023-10-01. Review status: criteria provided, single submitter. Criteria: CeGaT Center For Human Genetics Tuebingen Variant Classification Criteria Version 2. Collection method: clinical testing. Allele origin: germline. Affected: yes. Observed: 1 variant allele.
Comment: TTN: PM2:Supporting, BP4, BP7

Ambry Genetics
Classification: Likely benign for Cardiovascular phenotype. Last evaluated: 2020-09-06. Review status: criteria provided, single submitter. Criteria: Ambry Variant Classification Scheme 2023. Collection method: clinical testing. Allele origin: germline.